The following is an entry in ClinVar:

ClinVar aggregate classification (germline): Likely pathogenic (1 of 4 stars; one submission).

Conditions:
Chronic granulomatous disease. Identifiers: Orphanet 379, MedGen C0018203, MONDO:0018305.

Submission:

Natera, Inc.
Classification: Likely pathogenic for Chronic granulomatous disease. Last evaluated: 2025-09-07. Review status: criteria provided, single submitter. Criteria: Natera Variant Classification Schema (03/2026). Collection method: clinical testing. Allele origin: germline.
Comment: The c.120del variant in CYBA is a frameshift variant predicted to shift the reading frame beginning at codon 41 and leads to a stop codon 33 codons downstream. This variant is expected to result in nonsense mediated decay, truncation, or a dysfunctional protein product. This variant is rare in the general population with a frequency below the threshold expected for the associated phenotype(s). Given the available evidence, this variant is classified as Likely Pathogenic.

NM_000101.4(CYBA):c.120del (p.Tyr41fs)

Gene: CYBA (cytochrome b-245 alpha chain; minus strand). Cytogenetic location: 16q24.2.
Variant type: Deletion.
Coding change: c.120del on transcript NM_000101.4 (MANE Select); coding-DNA position 120, one base deleted (C; older notation c.120delC).
Protein change: p.Tyr41fs; shifts the reading frame from tyrosine 41.
Molecular consequence: frameshift variant.
Genome position (GRCh38, 1-based): chr16:88,648,053, G deleted on the plus strand (C on the coding strand, the reverse complement: CYBA is on the minus strand); the first of 2 consecutive G bases (chr16:88,648,053-88,648,054); deleting either gives the same sequence. VCF-style (leftmost placement, unchanged base first): chr16-88648052-AG-A. GRCh37 (hg19) VCF-style: chr16-88714460-AG-A.
Other names: short protein forms Y41fs.
Identifiers: ClinVar variation 4817425 (VCV004817425.1).